The following is an entry in ClinVar:

NM_001035.3(RYR2):c.10302T>A (p.Asp3434Glu)

Gene: RYR2 (ryanodine receptor 2; plus strand). Cytogenetic location: 1q43.
Variant type: single nucleotide variant.
Coding change: c.10302T>A on transcript NM_001035.3 (MANE Select); coding-DNA position 10302, T replaced by A.
Protein change: p.Asp3434Glu; replaces aspartic acid 3434 with glutamic acid.
Molecular consequence: missense variant.
Genome position (GRCh38, 1-based): chr1:237,711,816, T>A. VCF-style: chr1-237711816-T-A. GRCh37 (hg19) VCF-style: chr1-237875116-T-A.
Other names: short protein forms D3434E.
Identifiers: ClinVar variation 2640123 (VCV002640123.24), dbSNP rs775183266, ClinGen allele CA084265.

ClinVar aggregate classification (germline): Uncertain significance (1 of 4 stars; one submission).

Allele frequency attached by ClinVar (database versions not stated): ExAC 0.00001; gnomAD 0.00001.
gnomAD v4.1: 8 of 1,499,216 alleles (0.00053%); highest among the groups gnomAD compares: South Asian, 0.0068%; no homozygotes.

Submission:

CeGaT Center for Human Genetics Tuebingen
Classification: Uncertain significance. Last evaluated: 2022-03-01. Review status: criteria provided, single submitter. Criteria: CeGaT Center For Human Genetics Tuebingen Variant Classification Criteria Version 2. Collection method: clinical testing. Allele origin: germline. Affected: yes. Observed: 1 variant allele.
Comment: RYR2: PP3